The following is an entry in ClinVar:

ClinVar aggregate classification (germline): Uncertain significance (1 of 4 stars; one submission).

Conditions:
Intellectual developmental disorder with or without epilepsy or cerebellar ataxia. Identifiers: MedGen C4748041, MONDO:0060745, OMIM 618060.

Submission:

MGZ Medical Genetics Center
Classification: Uncertain significance for Intellectual developmental disorder with or without epilepsy or cerebellar ataxia. Last evaluated: 2022-06-10. Review status: criteria provided, single submitter. Criteria: ACMG Guidelines, 2015. Collection method: clinical testing. Allele origin: germline. Affected: yes. Observed: 1 variant allele.
Comment: ACMG criteria applied: PM2_SUP, PP3

NM_134261.3(RORA):c.215C>T (p.Pro72Leu)

Genes: RORA (RAR related orphan receptor A; minus strand), RORA-AS1 (RORA antisense RNA 1; plus strand). Cytogenetic location: 15q22.2.
Variant type: single nucleotide variant.
Coding change: c.215C>T on transcript NM_134261.3 (MANE Select); coding-DNA position 215, C replaced by T.
Protein change: p.Pro72Leu; replaces proline 72 with leucine.
Molecular consequence: missense variant.
Genome position (GRCh38, 1-based): chr15:60,531,833, G>A on the plus strand (C>T on the coding strand, the complement: RORA is on the minus strand). VCF-style: chr15-60531833-G-A. GRCh37 (hg19) VCF-style: chr15-60824032-G-A.
Other names: c.290C>T, p.Pro97Leu (NM_002943.4); c.314C>T, p.Pro105Leu (NM_134260.3); c.50C>T, p.Pro17Leu (NM_134262.3); short protein forms P105L, P17L, P72L, P97L.
Identifiers: ClinVar variation 1709497 (VCV001709497.2), dbSNP rs2542193896, ClinGen allele CA392665450.